The following is an entry in ClinVar:

NM_004387.4(NKX2-5):c.694G>A (p.Gly232Arg)

Gene: NKX2-5 (NK2 homeobox 5; minus strand). Cytogenetic location: 5q35.1.
Variant type: single nucleotide variant.
Coding change: c.694G>A on transcript NM_004387.4 (MANE Select); coding-DNA position 694, G replaced by A.
Protein change: p.Gly232Arg; replaces glycine 232 with arginine.
Molecular consequence: missense variant. On other transcripts: 3 prime UTR variant (2).
Genome position (GRCh38, 1-based): chr5:173,232,850, C>T on the plus strand (G>A on the coding strand, the complement: NKX2-5 is on the minus strand). VCF-style: chr5-173232850-C-T. GRCh37 (hg19) VCF-style: chr5-172659853-C-T.
Other names: c.*647G>A (NM_001166175.2); c.*493G>A (NM_001166176.2); short protein forms G232R.
Identifiers: ClinVar variation 3900126 (VCV003900126.1).

ClinVar aggregate classification (germline): Uncertain significance (1 of 4 stars; one submission).

gnomAD v4.1: 1 of 1,611,658 alleles (0.000062%); highest among the groups gnomAD compares: Non-Finnish European, 0.000085%; no homozygotes.

Submission:

GeneDx
Classification: Uncertain significance. Last evaluated: 2024-11-26. Review status: criteria provided, single submitter. Criteria: GeneDx Variant Classification Process June 2021. Collection method: clinical testing. Allele origin: germline. Affected: yes.
Comment: Reported in a patient with pulmonary valve stenosis in published literature (PMID: 22011241); Not observed at significant frequency in large population cohorts (gnomAD); In silico analysis supports that this missense variant has a deleterious effect on protein structure/function; This variant is associated with the following publications: (PMID: 22011241)